The following is an entry in ClinVar:

ClinVar aggregate classification (germline): Uncertain significance (1 of 4 stars; one submission).

Conditions:
Congenital myopathy with internal nuclei and atypical cores. Also called: Myopathy, centronuclear, 4. Identifiers: Orphanet 319160, MedGen C4707232, MONDO:0013890, OMIM 614807.

Allele frequency attached by ClinVar (database versions not stated): gnomAD 0.00001; TOPMed 0.00001.
gnomAD v4.1: 35 of 1,595,406 alleles (0.0022%); highest among the groups gnomAD compares: Non-Finnish European, 0.003%; no homozygotes.

Submission:

Labcorp Genetics (formerly Invitae), Labcorp
Classification: Uncertain significance for Congenital myopathy with internal nuclei and atypical cores. Last evaluated: 2023-06-11. Review status: criteria provided, single submitter. Criteria: Invitae Variant Classification Sherloc (09022015). Collection method: clinical testing. Allele origin: germline.
Comment: In summary, the available evidence is currently insufficient to determine the role of this variant in disease. Therefore, it has been classified as a Variant of Uncertain Significance. Advanced modeling of protein sequence and biophysical properties (such as structural, functional, and spatial information, amino acid conservation, physicochemical variation, residue mobility, and thermodynamic stability) performed at Invitae indicates that this missense variant is not expected to disrupt CCDC78 protein function. This variant has not been reported in the literature in individuals affected with CCDC78-related conditions. The frequency data for this variant in the population databases is considered unreliable, as metrics indicate poor data quality at this position in the gnomAD database. This sequence change replaces arginine, which is basic and polar, with tryptophan, which is neutral and slightly polar, at codon 348 of the CCDC78 protein (p.Arg348Trp).

NM_001378030.1(CCDC78):c.1042C>T (p.Arg348Trp)

Gene: CCDC78 (coiled-coil domain containing 78; minus strand). Cytogenetic location: 16p13.3.
Variant type: single nucleotide variant.
Coding change: c.1042C>T on transcript NM_001378030.1 (MANE Select); coding-DNA position 1042, C replaced by T.
Protein change: p.Arg348Trp; replaces arginine 348 with tryptophan.
Molecular consequence: missense variant. On other transcripts: non-coding transcript variant (5), intron variant (1).
Genome position (GRCh38, 1-based): chr16:724,117, G>A on the plus strand (C>T on the coding strand, the complement: CCDC78 is on the minus strand). VCF-style: chr16-724117-G-A. GRCh37 (hg19) VCF-style: chr16-774117-G-A.
Other names: c.1042C>T, p.Arg348Trp (NM_001031737.3); c.475C>T, p.Arg159Trp (NM_001378033.1); c.953+205C>T (NM_001378031.1); short protein forms R159W, R348W.
Identifiers: ClinVar variation 2715056 (VCV002715056.3), dbSNP rs761094524, ClinGen allele CA7789303.
Genomic context (GRCh38, chr16:724,117, plus strand): 5'-TGGGTGGGGGGCACCCGGGCCTGGAGCTTCTGGGGGTCTCTAGCCTCACCTGGTCCTCCC[G>A]ATGGCTGAAGTCAGTGACCAGGGGCACGGGCAATGGTTCCAGGTCCAAGCTGGCTATGTC-3'
Protein context (NP_001364959.1, residues 338-358): PVPLVTDFSH[Arg348Trp]EDQHGGPGAL